The following is an entry in ClinVar:

ClinVar aggregate classification (germline): Likely pathogenic (1 of 4 stars; one submission).

Conditions:
Developmental delay, hypotonia, musculoskeletal defects, and behavioral abnormalities. Identifiers: MedGen C5562012, MONDO:0859202, OMIM 619595.

Submission:

Pediatric/Medical Genetics, Ministry of Health, Qatif Central Hospital
Classification: Likely pathogenic for Developmental delay, hypotonia, musculoskeletal defects, and behavioral abnormalities. Last evaluated: 2022-12-12. Review status: criteria provided, single submitter. Criteria: ACMG Guidelines, 2015. Collection method: clinical testing. Allele origin: germline. Inheritance: Autosomal dominant inheritance. Affected: yes. Observed: 1 heterozygote.

NM_006662.3(SRCAP):c.3628C>T (p.Gln1210Ter)

Gene: SRCAP (Snf2 related CREBBP activator protein; plus strand). Cytogenetic location: 16p11.2.
Variant type: single nucleotide variant.
Coding change: c.3628C>T on transcript NM_006662.3 (MANE Select); coding-DNA position 3628, C replaced by T.
Protein change: p.Gln1210Ter; replaces glutamine 1210 with a stop codon.
Molecular consequence: nonsense.
Genome position (GRCh38, 1-based): chr16:30,722,208, C>T. VCF-style: chr16-30722208-C-T. GRCh37 (hg19) VCF-style: chr16-30733529-C-T.
Other names: Q909*; short protein forms Q1210*.
Identifiers: ClinVar variation 1803093 (VCV001803093.2), dbSNP rs2506669408, ClinGen allele CA395614375.